The following is an entry in ClinVar:

ClinVar aggregate classification (germline): Pathogenic (1 of 4 stars; one submission).

Conditions:
Juvenile polyposis syndrome (JPS). Identifiers: Orphanet 2929, MedGen C0345893, MONDO:0017380, OMIM 174900.

Submission:

Labcorp Genetics (formerly Invitae), Labcorp
Classification: Pathogenic for Juvenile polyposis syndrome. Last evaluated: 2021-10-04. Review status: criteria provided, single submitter. Criteria: Invitae Variant Classification Sherloc (09022015). Collection method: clinical testing. Allele origin: germline.
Comment: For these reasons, this variant has been classified as Pathogenic. This variant disrupts a region of the SMAD4 protein in which other variant(s) (p.His530Thrfs*47) have been determined to be pathogenic (PMID: 18178612; Invitae). This suggests that this is a clinically significant region of the protein, and that variants that disrupt it are likely to be disease-causing. This variant has not been reported in the literature in individuals affected with SMAD4-related conditions. This variant is not present in population databases (ExAC no frequency). This sequence change creates a premature translational stop signal (p.Gly473Argfs*21) in the SMAD4 gene. While this is not anticipated to result in nonsense mediated decay, it is expected to disrupt the last 80 amino acid(s) of the SMAD4 protein.

Literature cited by the submitters: PubMed 18178612.

NM_005359.6(SMAD4):c.1415dup (p.Gly473fs)

Gene: SMAD4 (SMAD family member 4; plus strand). Cytogenetic location: 18q21.2.
Variant type: Duplication.
Coding change: c.1415dup on transcript NM_005359.6 (MANE Select); coding-DNA position 1415, one base duplicated (C; older notation c.1415dupC).
Protein change: p.Gly473fs; shifts the reading frame from glycine 473.
Molecular consequence: frameshift variant.
Genome position (GRCh38, 1-based): chr18:51,076,744, C duplicated; the last of 3 consecutive C bases (chr18:51,076,742-51,076,744); duplicating any one gives the same sequence. VCF-style (leftmost placement, unchanged base first): chr18-51076741-G-GC. GRCh37 (hg19) VCF-style: chr18-48603111-G-GC.
Other names: short protein forms G473fs.
Identifiers: ClinVar variation 1453882 (VCV001453882.6), dbSNP rs2144474485, ClinGen allele CA2573155353.
Genomic context (GRCh38, chr18:51,076,741, plus strand): 5'-CGGCTACTGCACAAGCTGCAGCAGCTGCCCAGGCAGCAGCCGTGGCAGGAAACATCCCTG[G>GC]CCCAGGATCAGTAGGTGGAATAGCTCCAGCTATCAGTAAGTATGCTTTTCATTCTTTTTT-3'